The following is an entry in ClinVar:

NM_016111.4(TELO2):c.2295C>T (p.Tyr765=)

Gene: TELO2 (telomere maintenance 2; plus strand). Cytogenetic location: 16p13.3.
Variant type: single nucleotide variant.
Coding change: c.2295C>T on transcript NM_016111.4 (MANE Select); coding-DNA position 2295, C replaced by T.
Protein change: p.Tyr765=; no amino-acid change (tyrosine 765 retained).
Molecular consequence: synonymous variant.
Genome position (GRCh38, 1-based): chr16:1,507,604, C>T. VCF-style: chr16-1507604-C-T. GRCh37 (hg19) VCF-style: chr16-1557605-C-T.
Other names: c.2295C>T, p.Tyr765= (NM_001351846.2).
Identifiers: ClinVar variation 717403 (VCV000717403.32), dbSNP rs201365298, ClinGen allele CA7812618.
Genomic context (GRCh38, chr16:1,507,604, plus strand): 5'-GTGGGAGGTCTGGGGTGTGGTCCCTGCCGAGCTCAGCCCCCGCCTTCTTGCCGGCAGCTA[C>T]GTGCGCCAGGGGCTGTTGTCGGCCGTCTCCTCCGTCCTGCTCAGCCTGCCTGCTGCGCGC-3'
Protein context (NP_057195.2, residues 755-775): VWALRFHIDA[Tyr765=]VRQGLLSAVS

ClinVar aggregate classification (germline): Benign/Likely benign. Review status: criteria provided, multiple submitters, no conflicts (2 of 4 stars). 3 submissions from 3 submitters: Benign (1); Likely benign (1). 1 of the submissions does not count toward it. Last evaluated 2026-01-27.

Conditions:
TELO2-related disorder. Also called: TELO2-related condition.

Allele frequency attached by ClinVar (database versions not stated): gnomAD exomes 0.00024; ExAC 0.00049; ESP Exome Variant Server 0.00062; gnomAD 0.00076 and 0.00080; TOPMed 0.00087; 1000 Genomes Project 30x 0.00156; 1000 Genomes Project 0.00160.
gnomAD v4.1: 261 of 1,587,748 alleles (0.016%); highest among the groups gnomAD compares: African/African-American, 0.21%; 3 homozygotes.

Submissions (3):

Labcorp Genetics (formerly Invitae), Labcorp
Classification: Benign. Last evaluated: 2026-01-27. Review status: criteria provided, single submitter. Criteria: Invitae Variant Classification Sherloc (09022015). Collection method: clinical testing. Allele origin: germline.

CeGaT Center for Human Genetics Tuebingen
Classification: Likely benign. Last evaluated: 2023-04-01. Review status: criteria provided, single submitter. Criteria: CeGaT Center For Human Genetics Tuebingen Variant Classification Criteria Version 2. Collection method: clinical testing. Allele origin: germline. Affected: yes. Observed: 1 variant allele.
Comment: TELO2: BP4, BP7

PreventionGenetics, part of Exact Sciences
Classification: Likely benign for TELO2-related condition. Last evaluated: 2019-11-18. Review status: no assertion criteria provided. Collection method: clinical testing. Allele origin: germline. Not counted in ClinVar's aggregate classification.
Comment: This variant is classified as likely benign based on ACMG/AMP sequence variant interpretation guidelines (Richards et al. 2015 PMID: 25741868, with internal and published modifications).